The following is an entry in ClinVar:

ClinVar aggregate classification (germline): Uncertain significance (1 of 4 stars; one submission).

Conditions:
LAMA2-related muscular dystrophy (LAMA2-RD). Also called: Laminin alpha 2-related dystrophy. Identifiers: MedGen C5679788, MONDO:0100228.

Submission:

Labcorp Genetics (formerly Invitae), Labcorp
Classification: Uncertain significance for LAMA2-related muscular dystrophy. Last evaluated: 2021-08-28. Review status: criteria provided, single submitter. Criteria: Invitae Variant Classification Sherloc (09022015). Collection method: clinical testing. Allele origin: germline.
Comment: This sequence change replaces valine with phenylalanine at codon 2692 of the LAMA2 protein (p.Val2692Phe). The valine residue is weakly conserved and there is a small physicochemical difference between valine and phenylalanine. This variant is not present in population databases (ExAC no frequency). This variant has not been reported in the literature in individuals affected with LAMA2-related conditions. Algorithms developed to predict the effect of missense changes on protein structure and function are either unavailable or do not agree on the potential impact of this missense change (SIFT: "Tolerated"; PolyPhen-2: "Possibly Damaging"; Align-GVGD: "Class C0"). In summary, the available evidence is currently insufficient to determine the role of this variant in disease. Therefore, it has been classified as a Variant of Uncertain Significance.

NM_000426.4(LAMA2):c.8074G>T (p.Val2692Phe)

Gene: LAMA2 (laminin subunit alpha 2; plus strand). Cytogenetic location: 6q22.33.
Variant type: single nucleotide variant.
Coding change: c.8074G>T on transcript NM_000426.4 (MANE Select); coding-DNA position 8074, G replaced by T.
Protein change: p.Val2692Phe; replaces valine 2692 with phenylalanine.
Molecular consequence: missense variant.
Genome position (GRCh38, 1-based): chr6:129,492,076, G>T. VCF-style: chr6-129492076-G-T. GRCh37 (hg19) VCF-style: chr6-129813221-G-T.
Other names: c.8062G>T, p.Val2688Phe (NM_001079823.2); short protein forms V2688F, V2692F.
Identifiers: ClinVar variation 947802 (VCV000947802.7), dbSNP rs1294158623, ClinGen allele CA365631183.